The following is an entry in ClinVar:

NM_139076.3(ABRAXAS1):c.584T>C (p.Val195Ala)

Gene: ABRAXAS1 (abraxas 1, BRCA1 A complex subunit; minus strand). Cytogenetic location: 4q21.23.
Variant type: single nucleotide variant.
Coding change: c.584T>C on transcript NM_139076.3 (MANE Select); coding-DNA position 584, T replaced by C.
Protein change: p.Val195Ala; replaces valine 195 with alanine.
Molecular consequence: missense variant.
Genome position (GRCh38, 1-based): chr4:83,469,044, A>G on the plus strand (T>C on the coding strand, the complement: ABRAXAS1 is on the minus strand). VCF-style: chr4-83469044-A-G. GRCh37 (hg19) VCF-style: chr4-84390197-A-G.
Other names: c.257T>C, p.Val86Ala (NM_001345962.2); short protein forms V195A, V86A.
Identifiers: ClinVar variation 3229152 (VCV003229152.3), dbSNP rs2529435179, ClinGen allele CA357259377.

ClinVar aggregate classification (germline): Uncertain significance. Review status: criteria provided, multiple submitters, no conflicts (2 of 4 stars). 2 submissions from 2 submitters: Uncertain significance (2). Last evaluated 2024-12-30.

Submissions (2):

Labcorp Genetics (formerly Invitae), Labcorp
Classification: Uncertain significance. Last evaluated: 2024-12-30. Review status: criteria provided, single submitter. Criteria: Invitae Variant Classification Sherloc (09022015). Collection method: clinical testing. Allele origin: germline.
Comment: This sequence change replaces valine, which is neutral and non-polar, with alanine, which is neutral and non-polar, at codon 195 of the ABRAXAS1 protein (p.Val195Ala). This variant is not present in population databases (gnomAD no frequency). This variant has not been reported in the literature in individuals affected with ABRAXAS1-related conditions. ClinVar contains an entry for this variant (Variation ID: 3229152). Invitae Evidence Modeling of protein sequence and biophysical properties (such as structural, functional, and spatial information, amino acid conservation, physicochemical variation, residue mobility, and thermodynamic stability) has been performed for this missense variant. However, the output from this modeling did not meet the statistical confidence thresholds required to predict the impact of this variant on ABRAXAS1 protein function. In summary, the available evidence is currently insufficient to determine the role of this variant in disease. Therefore, it has been classified as a Variant of Uncertain Significance.

Ambry Genetics
Classification: Uncertain significance. Last evaluated: 2023-09-29. Review status: criteria provided, single submitter. Criteria: Ambry Variant Classification Scheme 2023. Collection method: clinical testing. Allele origin: germline.
Comment: The p.V195A variant (also known as c.584T>C), located in coding exon 6 of the FAM175A gene, results from a T to C substitution at nucleotide position 584. The valine at codon 195 is replaced by alanine, an amino acid with similar properties. This amino acid position is conserved. In addition, this alteration is predicted to be tolerated by in silico analysis. Since supporting evidence is limited at this time, the clinical significance of this alteration remains unclear.